The following is an entry in ClinVar:

NM_024529.5(CDC73):c.923A>T (p.Lys308Ile)

Gene: CDC73 (cell division cycle 73; plus strand). Cytogenetic location: 1q31.2.
Variant type: single nucleotide variant.
Coding change: c.923A>T on transcript NM_024529.5 (MANE Select); coding-DNA position 923, A replaced by T.
Protein change: p.Lys308Ile; replaces lysine 308 with isoleucine.
Molecular consequence: missense variant.
Genome position (GRCh38, 1-based): chr1:193,152,395, A>T. VCF-style: chr1-193152395-A-T. GRCh37 (hg19) VCF-style: chr1-193121525-A-T.
Other names: short protein forms K308I.
Identifiers: ClinVar variation 3227887 (VCV003227887.1), dbSNP rs376649069, ClinGen allele CA343965775.
Genomic context (GRCh38, chr1:193,152,395, plus strand): 5'-ACATGATCTATAAAATCTTAACAATAAGCCTCTTTTTTTTCGTAGAAACGGAAGGCTTCA[A>T]AATTGACACTATGGGAACCTACCATGGTATGACACTGAAATCTGTAACGGTAAGTTAATT-3'
Protein context (NP_078805.3, residues 298-318): FKGKEETEGF[Lys308Ile]IDTMGTYHGM

ClinVar aggregate classification (germline): Uncertain significance (1 of 4 stars; one submission).

Conditions:
Hereditary cancer-predisposing syndrome. Also called: Neoplastic Syndromes, Hereditary; Tumor predisposition; Hereditary neoplastic syndrome; Hereditary Cancer Syndrome. Identifiers: Orphanet 140162, MedGen C0027672, MeSH D009386, MONDO:0015356.

Submission:

Ambry Genetics
Classification: Uncertain significance for Hereditary cancer-predisposing syndrome. Last evaluated: 2024-02-18. Review status: criteria provided, single submitter. Criteria: Ambry Variant Classification Scheme 2023. Collection method: clinical testing. Allele origin: germline.
Comment: The p.K308I variant (also known as c.923A>T), located in coding exon 10 of the CDC73 gene, results from an A to T substitution at nucleotide position 923. The lysine at codon 308 is replaced by isoleucine, an amino acid with dissimilar properties. This amino acid position is conserved. In addition, the in silico prediction for this alteration is inconclusive. Based on the available evidence, the clinical significance of this alteration remains unclear.